The following is an entry in ClinVar:

NM_007272.3(CTRC):c.799C>A (p.Gln267Lys)

Gene: CTRC (chymotrypsin C; plus strand). Cytogenetic location: 1p36.21.
Variant type: single nucleotide variant.
Coding change: c.799C>A on transcript NM_007272.3 (MANE Select); coding-DNA position 799, C replaced by A.
Protein change: p.Gln267Lys; replaces glutamine 267 with lysine.
Molecular consequence: missense variant.
Genome position (GRCh38, 1-based): chr1:15,446,581, C>A. VCF-style: chr1-15446581-C-A. GRCh37 (hg19) VCF-style: chr1-15773076-C-A.
Other names: short protein forms Q267K.
Identifiers: ClinVar variation 4008129 (VCV004008129.1).

ClinVar aggregate classification (germline): Uncertain significance (1 of 4 stars; one submission).

Conditions:
Hereditary pancreatitis (PCTT). Also called: Hereditary chronic pancreatitis; PRSS1-Related Hereditary Pancreatitis. Identifiers: Orphanet 676, MedGen C0238339, MONDO:0008185, OMIM 167800.

Submission:

Ambry Genetics
Classification: Uncertain significance for Hereditary pancreatitis. Last evaluated: 2025-05-31. Review status: criteria provided, single submitter. Criteria: Ambry Variant Classification Scheme 2023. Collection method: clinical testing. Allele origin: germline.
Comment: The p.Q267K variant (also known as c.799C>A), located in coding exon 8 of the CTRC gene, results from a C to A substitution at nucleotide position 799. The glutamine at codon 267 is replaced by lysine, an amino acid with similar properties. This amino acid position is conserved. In addition, this alteration is predicted to be tolerated by in silico analysis. Based on the available evidence, the clinical significance of this variant remains unclear.